The following is an entry in ClinVar:

ClinVar aggregate classification (germline): Uncertain significance (1 of 4 stars; one submission).

Conditions:
Cardiovascular phenotype. Identifiers: MedGen CN230736.
Hereditary cancer-predisposing syndrome. Also called: Neoplastic Syndromes, Hereditary; Tumor predisposition; Hereditary Cancer Syndrome; Hereditary neoplastic syndrome. Identifiers: Orphanet 140162, MedGen C0027672, MeSH D009386, MONDO:0015356.

Submission:

Ambry Genetics
Classification: Uncertain significance for Cardiovascular phenotype; Hereditary cancer-predisposing syndrome. Last evaluated: 2021-07-23. Review status: criteria provided, single submitter. Criteria: Ambry Variant Classification Scheme 2023. Collection method: clinical testing. Allele origin: germline.
Comment: The p.Q2700H variant (also known as c.8100A>C), located in coding exon 56 of the NF1 gene, results from an A to C substitution at nucleotide position 8100. The glutamine at codon 2700 is replaced by histidine, an amino acid with highly similar properties. This amino acid position is highly conserved in available vertebrate species. In addition, this alteration is predicted to be tolerated by in silico analysis. Since supporting evidence is limited at this time, the clinical significance of this alteration remains unclear.

NM_001042492.3(NF1):c.8163A>C (p.Gln2721His)

Gene: NF1 (neurofibromin 1; plus strand). Cytogenetic location: 17q11.2.
Variant type: single nucleotide variant.
Coding change: c.8163A>C on transcript NM_001042492.3 (MANE Select); coding-DNA position 8163, A replaced by C.
Protein change: p.Gln2721His; replaces glutamine 2721 with histidine.
Molecular consequence: missense variant.
Genome position (GRCh38, 1-based): chr17:31,360,489, A>C. VCF-style: chr17-31360489-A-C. GRCh37 (hg19) VCF-style: chr17-29687507-A-C.
Other names: c.8100A>C, p.Gln2700His (NM_000267.4); short protein forms Q2700H, Q2721H.
Identifiers: ClinVar variation 1762006 (VCV001762006.2), dbSNP rs1265972995, ClinGen allele CA399204344.